The following is an entry in ClinVar:

ClinVar aggregate classification (germline): Uncertain significance (1 of 4 stars; one submission).

Conditions:
GLUT1 deficiency syndrome 1, autosomal recessive. Identifiers: MedGen C3149117.

Submission:

Labcorp Genetics (formerly Invitae), Labcorp
Classification: Uncertain significance for GLUT1 deficiency syndrome 1, autosomal recessive. Last evaluated: 2021-10-22. Review status: criteria provided, single submitter. Criteria: Invitae Variant Classification Sherloc (09022015). Collection method: clinical testing. Allele origin: germline.
Comment: This sequence change replaces proline with leucine at codon 387 of the SLC2A1 protein (p.Pro387Leu). The proline residue is moderately conserved and there is a moderate physicochemical difference between proline and leucine. This variant is not present in population databases (ExAC no frequency). This variant has not been reported in the literature in individuals affected with SLC2A1-related conditions. Advanced modeling of protein sequence and biophysical properties (such as structural, functional, and spatial information, amino acid conservation, physicochemical variation, residue mobility, and thermodynamic stability) performed at Invitae indicates that this missense variant is expected to disrupt SLC2A1 protein function. In summary, the available evidence is currently insufficient to determine the role of this variant in disease. Therefore, it has been classified as a Variant of Uncertain Significance.

NM_006516.4(SLC2A1):c.1160C>T (p.Pro387Leu)

Gene: SLC2A1 (solute carrier family 2 member 1; minus strand). Cytogenetic location: 1p34.2.
Variant type: single nucleotide variant.
Coding change: c.1160C>T on transcript NM_006516.4 (MANE Select); coding-DNA position 1160, C replaced by T.
Protein change: p.Pro387Leu; replaces proline 387 with leucine.
Molecular consequence: missense variant.
Genome position (GRCh38, 1-based): chr1:42,927,723, G>A on the plus strand (C>T on the coding strand, the complement: SLC2A1 is on the minus strand). VCF-style: chr1-42927723-G-A. GRCh37 (hg19) VCF-style: chr1-43393394-G-A.
Other names: short protein forms P387L.
Identifiers: ClinVar variation 1498827 (VCV001498827.6), dbSNP rs2124446457, ClinGen allele CA339953964.
Genomic context (GRCh38, chr1:42,927,723, plus strand): 5'-GCAACGGCAATGGCAGCTGGACGTGGACCCTGGCTGAAGAGTTCAGCCACGATGAACCAT[G>A]GGATGGGGCCAGGACCCACTTCAAAGAAGGCCACAAAGCCAAAGATGGCCACGATGCTCA-3'
Protein context (NP_006507.2, residues 377-397): AFFEVGPGPI[Pro387Leu]WFIVAELFSQ